The following is an entry in ClinVar:

NM_001032382.2(PQBP1):c.643G>C (p.Gly215Arg)

Gene: PQBP1 (polyglutamine binding protein 1; plus strand). Cytogenetic location: Xp11.23.
Variant type: single nucleotide variant.
Coding change: c.643G>C on transcript NM_001032382.2 (MANE Select); coding-DNA position 643, G replaced by C.
Protein change: p.Gly215Arg; replaces glycine 215 with arginine.
Molecular consequence: missense variant.
Genome position (GRCh38, 1-based): chrX:48,902,929, G>C. VCF-style: chrX-48902929-G-C. GRCh37 (hg19) VCF-style: chrX-48760206-G-C.
Other names: c.643G>C, p.Gly215Arg (NM_001032381.2, NM_001032383.2, NM_001032384.1 and 1 more transcripts); c.640G>C, p.Gly214Arg (NM_001167989.2); c.619G>C, p.Gly207Arg (NM_001167990.2); c.343G>C, p.Gly115Arg (NM_001167992.1); c.358G>C, p.Gly120Arg (NM_144495.3); short protein forms G215R, G207R, G214R, G115R, G120R.
Identifiers: ClinVar variation 449822 (VCV000449822.5), dbSNP rs1557041816, ClinGen allele CA412891395.

ClinVar aggregate classification (germline): Uncertain significance. Review status: criteria provided, multiple submitters, no conflicts (2 of 4 stars). 2 submissions from 2 submitters: Uncertain significance (2). Last evaluated 2026-09-14.

Conditions:
Renpenning syndrome. Also called: SUTHERLAND-HAAN X-LINKED MENTAL RETARDATION SYNDROME; Mental retardation, X-linked Renpenning type; X-linked mental retardation with spastic diplegia; X-linked mental retardation syndromic 3; Sutherland-Haan syndrome; MENTAL RETARDATION, X-LINKED 55. Identifiers: Orphanet 3242, MedGen C0796135, MONDO:0010653, OMIM 309500.

Submissions (2):

GeneDx
Classification: Uncertain significance. Last evaluated: 2026-09-14. Review status: criteria provided, single submitter. Criteria: GeneDx Variant Classification Process June 2021. Collection method: clinical testing. Allele origin: germline.
Comment: Not observed at significant frequency in large population cohorts (gnomAD); In silico analysis supports that this missense variant has a deleterious effect on protein structure/function; Has not been previously published as pathogenic or benign to our knowledge

Baylor Genetics
Classification: Uncertain significance for Renpenning syndrome. Last evaluated: 2024-03-29. Review status: criteria provided, single submitter. Criteria: ACMG Guidelines, 2015. Collection method: clinical testing. Allele origin: unknown.